The following is an entry in ClinVar:

ClinVar aggregate classification (germline): Likely benign (1 of 4 stars; one submission).

gnomAD v4.1: 47 of 1,205,214 alleles (0.0039%); highest among the groups gnomAD compares: East Asian, 0.027%; no homozygotes.

Submission:

CeGaT Center for Human Genetics Tuebingen
Classification: Likely benign. Last evaluated: 2026-03-01. Review status: criteria provided, single submitter. Criteria: CeGaT Center For Human Genetics Tuebingen Variant Classification Criteria Version 2. Collection method: clinical testing. Allele origin: germline. Affected: yes. Observed: 1 variant allele.
Comment: GPR82: BP4, BS2

NM_080817.5(GPR82):c.514G>A (p.Val172Ile)

Genes: CASK (calcium/calmodulin dependent serine protein kinase; minus strand), GPR82 (G protein-coupled receptor 82; plus strand). Cytogenetic location: Xp11.4.
Variant type: single nucleotide variant.
Coding change: c.514G>A on transcript NM_080817.5 (MANE Select); coding-DNA position 514, G replaced by A.
Protein change: p.Val172Ile; replaces valine 172 with isoleucine.
Molecular consequence: missense variant. On other transcripts: intron variant (5).
Genome position (GRCh38, 1-based): chrX:41,727,540, G>A. VCF-style: chrX-41727540-G-A. GRCh37 (hg19) VCF-style: chrX-41586793-G-A.
Other names: c.429+11844C>T (NM_001126055.3, NM_001410745.1, NM_001126054.3 and 2 more transcripts); short protein forms V172I.
Identifiers: ClinVar variation 4281156 (VCV004281156.7).
Genomic context (GRCh38, chrX:41,727,540, plus strand): 5'-GCTAGAAAACTATGCATTTACATATGGGGAGTTGTACTGGGCATAATCATTCCAGTTACC[G>A]TATACTACTCAGTCATAGAGGCTACAGAAGGAGAAGAGAGCCTATGCTACAATCGGCAGA-3'
Protein context (NP_543007.1, residues 162-182): VVLGIIIPVT[Val172Ile]YYSVIEATEG